The following is an entry in ClinVar:

ClinVar aggregate classification (germline): Uncertain significance (1 of 4 stars; one submission).

Submission:

Ambry Genetics
Classification: Uncertain significance. Last evaluated: 2026-07-01. Review status: criteria provided, single submitter. Criteria: Ambry Variant Classification Scheme 2023. Collection method: clinical testing. Allele origin: germline.
Comment: The p.E412Q variant (also known as c.1234G>C), located in coding exon 6 of the RSF1 gene, results from a G to C substitution at nucleotide position 1234. The glutamic acid at codon 412 is replaced by glutamine, an amino acid with highly similar properties. This amino acid position is conserved. In addition, this alteration is predicted to be tolerated by in silico analysis. Based on the available evidence, the clinical significance of this variant remains unclear.

NM_016578.4(RSF1):c.1234G>C (p.Glu412Gln)

Gene: RSF1 (remodeling and spacing factor 1; minus strand). Cytogenetic location: 11q14.1.
Variant type: single nucleotide variant.
Coding change: c.1234G>C on transcript NM_016578.4 (MANE Select); coding-DNA position 1234, G replaced by C.
Protein change: p.Glu412Gln; replaces glutamic acid 412 with glutamine.
Molecular consequence: missense variant.
Genome position (GRCh38, 1-based): chr11:77,701,995, C>G on the plus strand (G>C on the coding strand, the complement: RSF1 is on the minus strand). VCF-style: chr11-77701995-C-G. GRCh37 (hg19) VCF-style: chr11-77413040-C-G.
Other names: short protein forms E412Q.
Identifiers: ClinVar variation 5028449 (VCV005028449.1).